The following is an entry in ClinVar:

ClinVar aggregate classification (germline): Pathogenic (1 of 4 stars; one submission).

Submission:

GeneDx
Classification: Pathogenic. Last evaluated: 2017-03-17. Review status: criteria provided, single submitter. Criteria: GeneDx Variant Classification (06012015). Collection method: clinical testing. Allele origin: germline. Affected: yes.
Comment: The S759X nonsense variant in the NSD1 gene is predicted to cause loss of normal protein function either through protein truncation or nonsense-mediated mRNA decay.

NM_022455.5(NSD1):c.2276C>A (p.Ser759Ter)

Gene: NSD1 (nuclear receptor binding SET domain protein 1; plus strand). Cytogenetic location: 5q35.3.
Variant type: single nucleotide variant.
Coding change: c.2276C>A on transcript NM_022455.5 (MANE Select); coding-DNA position 2276, C replaced by A.
Protein change: p.Ser759Ter; replaces serine 759 with a stop codon.
Molecular consequence: nonsense.
Genome position (GRCh38, 1-based): chr5:177,210,675, C>A. VCF-style: chr5-177210675-C-A. GRCh37 (hg19) VCF-style: chr5-176637676-C-A.
Other names: c.1403C>A, p.Ser468Ter (NM_001365684.2, NM_001409306.1, NM_001409307.1 and 3 more transcripts); c.2276C>A, p.Ser759Ter (NM_001409301.1, NM_001409302.1, NM_001409303.1); c.1856C>A, p.Ser619Ter (NM_001409304.1); c.1523C>A, p.Ser508Ter (NM_001409305.1); short protein forms S759*, S490*, S508*, S619*, S468*.
Identifiers: ClinVar variation 424367 (VCV000424367.2), dbSNP rs587784084, ClinGen allele CA16618168.
Genomic context (GRCh38, chr5:177,210,675, plus strand): 5'-TTCACAAACCCCAGTCAGATTTTACAAATGATGCTCTCTCTCCAAAATTCAACCTGTCAT[C>A]AAGCATATCCAGTGAGAACTCGTTAATAAAGGGTGGGGCAGCAAATCAAGCTCTATTACA-3'